The following is an entry in ClinVar:

NM_000094.4(COL7A1):c.5026G>A (p.Gly1676Arg)

Gene: COL7A1 (collagen type VII alpha 1 chain; minus strand). Cytogenetic location: 3p21.31.
Variant type: single nucleotide variant.
Coding change: c.5026G>A on transcript NM_000094.4 (MANE Select); coding-DNA position 5026, G replaced by A.
Protein change: p.Gly1676Arg; replaces glycine 1676 with arginine.
Molecular consequence: missense variant.
Genome position (GRCh38, 1-based): chr3:48,580,607, C>T on the plus strand (G>A on the coding strand, the complement: COL7A1 is on the minus strand). VCF-style: chr3-48580607-C-T. GRCh37 (hg19) VCF-style: chr3-48618040-C-T.
Other names: short protein forms G1676R.
Identifiers: ClinVar variation 1333696 (VCV001333696.5), dbSNP rs2107706791, ClinGen allele CA352679626.

ClinVar aggregate classification (germline): Uncertain significance. Review status: criteria provided, multiple submitters, no conflicts (2 of 4 stars). 2 submissions from 2 submitters: Uncertain significance (2). Last evaluated 2026-01-15.

Conditions:
Epidermolysis bullosa pruriginosa. Also called: DEB, PRURIGINOSA; DYSTROPHIC EPIDERMOLYSIS BULLOSA PRURIGINOSA. Identifiers: Orphanet 89843, MedGen C1275114, MONDO:0011398, OMIM 604129.

Allele frequency attached by ClinVar (database versions not stated): gnomAD exomes below 0.00001.
gnomAD v4.1: 1 of 1,613,904 alleles (0.000062%); highest among the groups gnomAD compares: Non-Finnish European, 0.000085%; no homozygotes.

Submissions (2):

Women's Health and Genetics/Laboratory Corporation of America, LabCorp
Classification: Uncertain significance. Last evaluated: 2026-01-15. Review status: criteria provided, single submitter. Criteria: LabCorp Variant Classification Summary - May 2015. Collection method: clinical testing. Allele origin: germline.
Comment: Variant summary: COL7A1 c.5026G>A (p.Gly1676Arg) results in a non-conservative amino acid change in the encoded protein sequence. Algorithms developed to predict the effect of missense changes on protein structure and function all suggest that this variant is likely to be disruptive. The frequency data for this variant in gnomAD is considered unreliable, as metrics indicate poor data quality at this position. To our knowledge, no occurrence of c.5026G>A in individuals affected with COL7A1-related conditions and no experimental evidence demonstrating its impact on protein function have been reported. ClinVar contains an entry for this variant (Variation ID: 1333696). Based on the evidence outlined above, the variant was classified as uncertain significance.

3billion
Classification: Uncertain significance for Epidermolysis bullosa pruriginosa. Last evaluated: 2022-01-03. Review status: criteria provided, single submitter. Criteria: ACMG Guidelines, 2015. Collection method: clinical testing. Allele origin: germline. Affected: yes. Observed: 1 heterozygote.
Comment: A different missense change at the same codon has been reported as pathogenic/likely pathogenic with strong evidence (ClinVar ID: VCV000279789, PMID:23397949, PM5_M). It is observed at an extremely low frequency in the gnomAD v2.1.1 dataset (total allele frequency: 0.000000, PM2_M). In silico tool predictions suggest damaging effect of the variant on gene or gene product (REVEL: 0.885, PP3_P). Therefore, this variant is classified as uncertain significance according to the recommendation of ACMG/AMP guideline.

Literature cited by the submitters: PubMed 23397949 (cited by 3billion).